The following is an entry in ClinVar:

ClinVar aggregate classification (germline): Uncertain significance. Review status: criteria provided, single submitter (1 of 4 stars). 2 submissions from 2 submitters: Uncertain significance (1). 1 of the submissions does not count toward it. Last evaluated 2021-08-26.

Conditions:
Sanfilippo syndrome. Also called: Mucopolysaccharidosis type 3; Sanfilippo disease; Mucopolysaccharidosis Type III. Identifiers: Orphanet 581, MedGen C0026706, MONDO:0018937.
Mucopolysaccharidosis, MPS-III-D (MPS3D). Also called: MPS IIID (Sanfilippo Syndrome Type D); N-ACETYLGLUCOSAMINE-6-SULFATASE DEFICIENCY; MUCOPOLYSACCHARIDOSIS, TYPE IIID; SANFILIPPO SYNDROME D; MPS III D; Mucopoly-saccharidosis type 3D. Identifiers: Orphanet 581, Orphanet 79272, MedGen C0086650, MONDO:0009658, OMIM 252940.

Allele frequency attached by ClinVar (database versions not stated): gnomAD exomes below 0.00001; ExAC 0.00001; gnomAD 0.00001.
gnomAD v4.1: 15 of 1,611,704 alleles (0.00093%); highest among the groups gnomAD compares: South Asian, 0.0033%; no homozygotes.

Submissions (2):

Labcorp Genetics (formerly Invitae), Labcorp
Classification: Uncertain significance for Mucopolysaccharidosis, MPS-III-D. Last evaluated: 2021-08-26. Review status: criteria provided, single submitter. Criteria: Invitae Variant Classification Sherloc (09022015). Collection method: clinical testing. Allele origin: germline.
Comment: This sequence change replaces alanine with valine at codon 233 of the GNS protein (p.Ala233Val). The alanine residue is highly conserved and there is a small physicochemical difference between alanine and valine. This variant is present in population databases (rs766044815, ExAC 0.006%). This variant has not been reported in the literature in individuals affected with GNS-related conditions. Algorithms developed to predict the effect of missense changes on protein structure and function (SIFT, PolyPhen-2, Align-GVGD) all suggest that this variant is likely to be disruptive. In summary, the available evidence is currently insufficient to determine the role of this variant in disease. Therefore, it has been classified as a Variant of Uncertain Significance.

Natera, Inc.
Classification: Uncertain significance for Sanfilippo disease. Last evaluated: 2021-07-28. Review status: no assertion criteria provided. Collection method: clinical testing. Allele origin: germline. Not counted in ClinVar's aggregate classification.

NM_002076.4(GNS):c.698C>T (p.Ala233Val)

Gene: GNS (glucosamine (N-acetyl)-6-sulfatase; minus strand). Cytogenetic location: 12q14.3.
Variant type: single nucleotide variant.
Coding change: c.698C>T on transcript NM_002076.4 (MANE Select); coding-DNA position 698, C replaced by T.
Protein change: p.Ala233Val; replaces alanine 233 with valine.
Molecular consequence: missense variant.
Genome position (GRCh38, 1-based): chr12:64,743,235, G>A on the plus strand (C>T on the coding strand, the complement: GNS is on the minus strand). VCF-style: chr12-64743235-G-A. GRCh37 (hg19) VCF-style: chr12-65137015-G-A.
Other names: short protein forms A233V.
Identifiers: ClinVar variation 1051179 (VCV001051179.3), dbSNP rs766044815, ClinGen allele CA6669868.